The following is an entry in ClinVar:

ClinVar aggregate classification (germline): Uncertain significance. Review status: criteria provided, multiple submitters, no conflicts (2 of 4 stars). 2 submissions from 2 submitters: Uncertain significance (2). Last evaluated 2024-02-24.

Conditions:
Lymphoma, non-Hodgkin, familial. Identifiers: MedGen C4721532, MONDO:0011508, OMIM 605027.
Familial hemophagocytic lymphohistiocytosis 2 (FHL2). Also called: PRF1-Related Familial Hemophagocytic Lymphohistiocytosis (PRF1-fHLH). Identifiers: Orphanet 540, MedGen C1863727, MONDO:0011337, OMIM 603553.
Aplastic anemia. Identifiers: Orphanet 182040, Orphanet 88, MedGen C0002874, MONDO:0015909, OMIM 609135, HP:0001915.

Allele frequency attached by ClinVar (database versions not stated): gnomAD 0.00001; ExAC 0.00003; 1000 Genomes Project 30x 0.00016; 1000 Genomes Project 0.00020.
gnomAD v4.1: 52 of 1,613,848 alleles (0.0032%); highest among the groups gnomAD compares: South Asian, 0.033%; no homozygotes.

Submissions (2):

Labcorp Genetics (formerly Invitae), Labcorp
Classification: Uncertain significance for Familial hemophagocytic lymphohistiocytosis 2. Last evaluated: 2024-02-24. Review status: criteria provided, single submitter. Criteria: Invitae Variant Classification Sherloc (09022015). Collection method: clinical testing. Allele origin: germline.
Comment: This sequence change replaces aspartic acid, which is acidic and polar, with asparagine, which is neutral and polar, at codon 70 of the PRF1 protein (p.Asp70Asn). This variant is present in population databases (rs555317258, gnomAD 0.02%). This variant has not been reported in the literature in individuals affected with PRF1-related conditions. ClinVar contains an entry for this variant (Variation ID: 1437114). Advanced modeling of protein sequence and biophysical properties (such as structural, functional, and spatial information, amino acid conservation, physicochemical variation, residue mobility, and thermodynamic stability) has been performed at Invitae for this missense variant, however the output from this modeling did not meet the statistical confidence thresholds required to predict the impact of this variant on PRF1 protein function. In summary, the available evidence is currently insufficient to determine the role of this variant in disease. Therefore, it has been classified as a Variant of Uncertain Significance.

Department of Pathology and Laboratory Medicine, Sinai Health System
Classification: Uncertain significance for Familial hemophagocytic lymphohistiocytosis 2; Lymphoma, non-Hodgkin, familial; Aplastic anemia. Last evaluated: 2020-06-12. Review status: criteria provided, single submitter. Criteria: ACMG Guidelines, 2015. Collection method: research. Allele origin: germline.

NM_001083116.3(PRF1):c.208G>A (p.Asp70Asn)

Gene: PRF1 (perforin 1; minus strand). Cytogenetic location: 10q22.1.
Variant type: single nucleotide variant.
Coding change: c.208G>A on transcript NM_001083116.3 (MANE Select); coding-DNA position 208, G replaced by A.
Protein change: p.Asp70Asn; replaces aspartic acid 70 with asparagine.
Molecular consequence: missense variant.
Genome position (GRCh38, 1-based): chr10:70,600,695, C>T on the plus strand (G>A on the coding strand, the complement: PRF1 is on the minus strand). VCF-style: chr10-70600695-C-T. GRCh37 (hg19) VCF-style: chr10-72360451-C-T.
Other names: c.208G>A, p.Asp70Asn (NM_005041.6); short protein forms D70N.
Identifiers: ClinVar variation 1437114 (VCV001437114.7), dbSNP rs555317258, ClinGen allele CA5539098.